The following is an entry in ClinVar:

NM_001365951.3(KIF1B):c.3173T>G (p.Leu1058Trp)

Gene: KIF1B (kinesin family member 1B; plus strand). Cytogenetic location: 1p36.22.
Variant type: single nucleotide variant.
Coding change: c.3173T>G on transcript NM_001365951.3 (MANE Select); coding-DNA position 3173, T replaced by G.
Protein change: p.Leu1058Trp; replaces leucine 1058 with tryptophan.
Molecular consequence: missense variant.
Genome position (GRCh38, 1-based): chr1:10,337,117, T>G. VCF-style: chr1-10337117-T-G. GRCh37 (hg19) VCF-style: chr1-10397175-T-G.
Other names: c.3173T>G, p.Leu1058Trp (NM_001365952.1); c.3035T>G, p.Leu1012Trp (NM_015074.3); short protein forms L1058W, L1012W.
Identifiers: ClinVar variation 4092380 (VCV004092380.1).

ClinVar aggregate classification (germline): Uncertain significance (1 of 4 stars; one submission).

Submission:

Ambry Genetics
Classification: Uncertain significance. Last evaluated: 2025-08-21. Review status: criteria provided, single submitter. Criteria: Ambry Variant Classification Scheme 2023. Collection method: clinical testing. Allele origin: germline.
Comment: The p.L1012W variant (also known as c.3035T>G), located in coding exon 27 of the KIF1B gene, results from a T to G substitution at nucleotide position 3035. The leucine at codon 1012 is replaced by tryptophan, an amino acid with similar properties. This amino acid position is conserved. In addition, the in silico prediction for this alteration is inconclusive. Based on the available evidence, the clinical significance of this variant remains unclear.